The following is an entry in ClinVar:

NM_001048174.2(MUTYH):c.430C>T (p.Gln144Ter)

Gene: MUTYH (mutY DNA glycosylase; minus strand). Cytogenetic location: 1p34.1.
Variant type: single nucleotide variant.
Coding change: c.430C>T on transcript NM_001048174.2 (MANE Select); coding-DNA position 430, C replaced by T.
Protein change: p.Gln144Ter; replaces glutamine 144 with a stop codon.
Molecular consequence: nonsense. On other transcripts: non-coding transcript variant (2).
Genome position (GRCh38, 1-based): chr1:45,332,825, G>A on the plus strand (C>T on the coding strand, the complement: MUTYH is on the minus strand). VCF-style: chr1-45332825-G-A. GRCh37 (hg19) VCF-style: chr1-45798497-G-A.
Other names: c.154C>T, p.Gln52Ter (NM_001293196.2, NM_001407091.1, NM_001293192.2); c.85C>T, p.Gln29Ter (NM_001350650.2, NM_001350651.2, NM_001407082.1); c.463C>T, p.Gln155Ter (NM_001407069.1, NM_001407077.1, NM_001293191.2); c.430C>T, p.Gln144Ter (NM_001407070.1, NM_001407072.1, NM_001407073.1 and 6 more transcripts); c.433C>T, p.Gln145Ter (NM_001407071.1, NM_001407078.1, NM_001407086.1 and 1 more transcripts); c.346C>T, p.Gln116Ter (NM_001407075.1); c.391C>T, p.Gln131Ter (NM_001407079.1); c.388C>T, p.Gln130Ter (NM_001407080.1); and 5 more; short protein forms Q145*, Q172*, Q144*, Q116*, Q151*, Q158*, Q169*, Q52*.
Identifiers: ClinVar variation 1745661 (VCV001745661.2), dbSNP rs2524181970, ClinGen allele CA340135827.

ClinVar aggregate classification (germline): Pathogenic (1 of 4 stars; one submission).

Conditions:
Hereditary cancer-predisposing syndrome. Also called: Hereditary Cancer Syndrome; Neoplastic Syndromes, Hereditary; Tumor predisposition; Hereditary neoplastic syndrome. Identifiers: Orphanet 140162, MedGen C0027672, MeSH D009386, MONDO:0015356.

Submission:

Ambry Genetics
Classification: Pathogenic for Hereditary cancer-predisposing syndrome. Last evaluated: 2020-07-07. Review status: criteria provided, single submitter. Criteria: Ambry Variant Classification Scheme 2023. Collection method: clinical testing. Allele origin: germline.
Comment: The p.Q172* pathogenic mutation (also known as c.514C>T), located in coding exon 7 of the MUTYH gene, results from a C to T substitution at nucleotide position 514. This changes the amino acid from a glutamine to a stop codon within coding exon 7. This alteration is expected to result in loss of function by premature protein truncation or nonsense-mediated mRNA decay. As such, this alteration is interpreted as a disease-causing mutation.